The following is an entry in ClinVar:

ClinVar aggregate classification (germline): Uncertain significance. Review status: criteria provided, multiple submitters, no conflicts (2 of 4 stars). 2 submissions from 2 submitters: Uncertain significance (2). Last evaluated 2025-12-16.

Conditions:
POLD1-related polyposis and colorectal cancer syndrome (CRCS10). Also called: Colorectal cancer 10; COLORECTAL CANCER, SUSCEPTIBILITY TO, ON CHROMOSOME 19q; Colorectal cancer, susceptibility to, 10. Identifiers: Orphanet 220460, MedGen C2675481, MONDO:0012953, OMIM 612591.
Hereditary cancer-predisposing syndrome. Also called: Tumor predisposition; Hereditary Cancer Syndrome; Hereditary neoplastic syndrome; Neoplastic Syndromes, Hereditary. Identifiers: Orphanet 140162, MedGen C0027672, MeSH D009386, MONDO:0015356.

Allele frequency attached by ClinVar (database versions not stated): gnomAD 0.00001 and 0.00002.
gnomAD v4.1: 3 of 1,519,604 alleles (0.0002%); highest among the groups gnomAD compares: African/African-American, 0.0041%; no homozygotes.

Submissions (2):

Ambry Genetics
Classification: Uncertain significance for Hereditary cancer-predisposing syndrome. Last evaluated: 2025-12-16. Review status: criteria provided, single submitter. Criteria: Ambry Variant Classification Scheme 2023. Collection method: clinical testing. Allele origin: germline.
Comment: The p.S939A variant (also known as c.2815T>G), located in coding exon 21 of the POLD1 gene, results from a T to G substitution at nucleotide position 2815. The serine at codon 939 is replaced by alanine, an amino acid with similar properties. This amino acid position is conserved. In addition, this alteration is predicted to be tolerated by in silico analysis. Since supporting evidence is limited at this time, the clinical significance of this alteration remains unclear.

Labcorp Genetics (formerly Invitae), Labcorp
Classification: Uncertain significance for POLD1-related polyposis and colorectal cancer syndrome. Last evaluated: 2025-11-13. Review status: criteria provided, single submitter. Criteria: Invitae Variant Classification Sherloc (09022015). Collection method: clinical testing. Allele origin: germline.
Comment: This sequence change replaces serine, which is neutral and polar, with alanine, which is neutral and non-polar, at codon 939 of the POLD1 protein (p.Ser939Ala). This variant is not present in population databases (gnomAD no frequency). This variant has not been reported in the literature in individuals affected with POLD1-related conditions. ClinVar contains an entry for this variant (Variation ID: 858389). Invitae Evidence Modeling of protein sequence and biophysical properties (such as structural, functional, and spatial information, amino acid conservation, physicochemical variation, residue mobility, and thermodynamic stability) indicates that this missense variant is not expected to disrupt POLD1 protein function with a negative predictive value of 80%. In summary, the available evidence is currently insufficient to determine the role of this variant in disease. Therefore, it has been classified as a Variant of Uncertain Significance.

NM_002691.4(POLD1):c.2815T>G (p.Ser939Ala)

Gene: POLD1 (DNA polymerase delta 1, catalytic subunit; plus strand). Cytogenetic location: 19q13.33.
Variant type: single nucleotide variant.
Coding change: c.2815T>G on transcript NM_002691.4 (MANE Select); coding-DNA position 2815, T replaced by G.
Protein change: p.Ser939Ala; replaces serine 939 with alanine.
Molecular consequence: missense variant.
Genome position (GRCh38, 1-based): chr19:50,415,821, T>G. VCF-style: chr19-50415821-T-G. GRCh37 (hg19) VCF-style: chr19-50919078-T-G.
Other names: c.2815T>G (NM_002691.2); c.2815T>G, p.Ser939Ala (NM_001256849.1); c.2893T>G, p.Ser965Ala (NM_001308632.1); short protein forms S939A, S965A.
Identifiers: ClinVar variation 858389 (VCV000858389.10), dbSNP rs2039266476, ClinGen allele CA406986118.
Genomic context (GRCh38, chr19:50,415,821, plus strand): 5'-GGCGACCGCGTCCCCTACGTGATCATCAGTGCCGCCAAGGGTGTGGCCGCCTACATGAAG[T>G]CGGAGGTCAGGCCCACCTGGCTGCCTGCTCCCGCCCAGCCCCCTCGCTCTCACTTCTGCT-3'
Protein context (NP_002682.2, residues 929-949): AAKGVAAYMK[Ser939Ala]EDPLFVLEHS